The following is an entry in ClinVar:

ClinVar aggregate classification (germline): Benign/Likely benign. Review status: criteria provided, multiple submitters, no conflicts (2 of 4 stars). 4 submissions from 4 submitters: Benign (2); Likely benign (2). Last evaluated 2025-10-23.

Conditions:
Hereditary cancer-predisposing syndrome. Also called: Hereditary Cancer Syndrome; Neoplastic Syndromes, Hereditary; Hereditary neoplastic syndrome; Tumor predisposition. Identifiers: Orphanet 140162, MedGen C0027672, MeSH D009386, MONDO:0015356.
Tuberous sclerosis 1 (TSC1). Identifiers: Orphanet 805, MedGen C1854465, MONDO:0008612, OMIM 191100.

Allele frequency attached by ClinVar (database versions not stated): ExAC 0.00001; gnomAD exomes 0.00002.
gnomAD v4.1: 8 of 1,607,464 alleles (0.0005%); highest among the groups gnomAD compares: South Asian, 0.0088%; no homozygotes.

Submissions (4):

Labcorp Genetics (formerly Invitae), Labcorp
Classification: Likely benign for Tuberous sclerosis 1. Last evaluated: 2025-10-23. Review status: criteria provided, single submitter. Criteria: Invitae Variant Classification Sherloc (09022015). Collection method: clinical testing. Allele origin: germline.

Myriad Genetics, Inc.
Classification: Benign for Tuberous sclerosis 1. Last evaluated: 2025-04-09. Review status: criteria provided, single submitter. Criteria: Myriad Autosomal Dominant, Autosomal Recessive and X-Linked Classification Criteria (2023). Collection method: clinical testing. Allele origin: unknown.
Comment: This variant is considered benign. This variant is a silent/synonymous amino acid change and it is not expected to impact splicing.

Genome-Nilou Lab
Classification: Benign for Tuberous sclerosis 1. Last evaluated: 2021-11-07. Review status: criteria provided, single submitter. Criteria: ACMG Guidelines, 2015. Collection method: clinical testing. Allele origin: germline. Affected: no.

Ambry Genetics
Classification: Likely benign for Hereditary cancer-predisposing syndrome. Last evaluated: 2018-07-27. Review status: criteria provided, single submitter. Criteria: Ambry Variant Classification Scheme 2023. Collection method: clinical testing. Allele origin: germline.

NM_000368.5(TSC1):c.930C>T (p.Thr310=)

Gene: TSC1 (TSC complex subunit 1; minus strand). Cytogenetic location: 9q34.13.
Variant type: single nucleotide variant.
Coding change: c.930C>T on transcript NM_000368.5 (MANE Select); coding-DNA position 930, C replaced by T.
Protein change: p.Thr310=; no amino-acid change (threonine 310 retained).
Molecular consequence: synonymous variant.
Genome position (GRCh38, 1-based): chr9:132,911,552, G>A on the plus strand (C>T on the coding strand, the complement: TSC1 is on the minus strand). VCF-style: chr9-132911552-G-A. GRCh37 (hg19) VCF-style: chr9-135786939-G-A.
Other names: c.930C>T, p.Thr310= (NM_001162426.2); c.777C>T, p.Thr259= (NM_001162427.2); c.567C>T, p.Thr189= (NM_001362177.2).
Identifiers: ClinVar variation 823158 (VCV000823158.16), dbSNP rs759004332, ClinGen allele CA039758.